The following is an entry in ClinVar:

NM_000059.4(BRCA2):c.5557T>G (p.Cys1853Gly)

Gene: BRCA2 (BRCA2 DNA repair associated; plus strand). Cytogenetic location: 13q13.1.
Variant type: single nucleotide variant.
Coding change: c.5557T>G on transcript NM_000059.4 (MANE Select); coding-DNA position 5557, T replaced by G.
Protein change: p.Cys1853Gly; replaces cysteine 1853 with glycine.
Molecular consequence: missense variant. On other transcripts: non-coding transcript variant (1), intron variant (2).
Genome position (GRCh38, 1-based): chr13:32,339,912, T>G. VCF-style: chr13-32339912-T-G. GRCh37 (hg19) VCF-style: chr13-32914049-T-G.
Other names: c.5557T>G, p.Cys1853Gly (NM_001406719.1, NM_001406720.1, NM_001432077.1); c.1910-4646T>G (NM_001406721.1); c.425-4646T>G (NM_001406722.1); short protein forms C1853G.
Identifiers: ClinVar variation 3695946 (VCV003695946.2).
Genomic context (GRCh38, chr13:32,339,912, plus strand): 5'-AATAGTAATAATTTTGAGGTAGGGCCACCTGCATTTAGGATAGCCAGTGGTAAAATCGTT[T>G]GTGTTTCACATGAAACAATTAAAAAAGTGAAAGACATATTTACAGACAGTTTCAGTAAAG-3'
Protein context (NP_000050.3, residues 1843-1863): AFRIASGKIV[Cys1853Gly]VSHETIKKVK

ClinVar aggregate classification (germline): Uncertain significance (1 of 4 stars; one submission).

Conditions:
Hereditary breast ovarian cancer syndrome. Also called: BRCA1- and BRCA2-Associated Hereditary Breast and Ovarian Cancer; Breast and ovarian cancer; Hereditary breast and ovarian cancer; Hereditary breast and ovarian cancer syndrome (HBOC); Hereditary breast and ovarian cancer syndrome; Hereditary breast and/or ovarian cancer syndrome. Identifiers: Orphanet 145, MedGen C0677776, MeSH D061325, MONDO:0003582. Disease mechanism: loss of function.

Submission:

Labcorp Genetics (formerly Invitae), Labcorp
Classification: Uncertain significance for Hereditary breast ovarian cancer syndrome. Last evaluated: 2024-06-09. Review status: criteria provided, single submitter. Criteria: Invitae Variant Classification Sherloc (09022015). Collection method: clinical testing. Allele origin: germline.
Comment: This sequence change replaces cysteine, which is neutral and slightly polar, with glycine, which is neutral and non-polar, at codon 1853 of the BRCA2 protein (p.Cys1853Gly). This variant is not present in population databases (gnomAD no frequency). This variant has not been reported in the literature in individuals affected with BRCA2-related conditions. Advanced modeling of protein sequence and biophysical properties (such as structural, functional, and spatial information, amino acid conservation, physicochemical variation, residue mobility, and thermodynamic stability) performed at Invitae indicates that this missense variant is not expected to disrupt BRCA2 protein function with a negative predictive value of 95%. In summary, the available evidence is currently insufficient to determine the role of this variant in disease. Therefore, it has been classified as a Variant of Uncertain Significance.